The following is an entry in ClinVar:

NM_000203.5(IDUA):c.44C>T (p.Ala15Val)

Genes: IDUA (alpha-L-iduronidase; plus strand), SLC26A1 (solute carrier family 26 member 1; minus strand). Cytogenetic location: 4p16.3.
Variant type: single nucleotide variant.
Coding change: c.44C>T on transcript NM_000203.5 (MANE Select); coding-DNA position 44, C replaced by T.
Protein change: p.Ala15Val; replaces alanine 15 with valine.
Molecular consequence: missense variant. On other transcripts: non-coding transcript variant (1), intron variant (1).
Genome position (GRCh38, 1-based): chr4:987,128, C>T. VCF-style: chr4-987128-C-T. GRCh37 (hg19) VCF-style: chr4-980916-C-T.
Other names: c.576+4000G>A (NM_134425.4); short protein forms A15V.
Identifiers: ClinVar variation 350187 (VCV000350187.8), dbSNP rs886059749, ClinGen allele CA10622073.

ClinVar aggregate classification (germline): Uncertain significance. Review status: criteria provided, multiple submitters, no conflicts (2 of 4 stars). 2 submissions from 2 submitters: Uncertain significance (2). Last evaluated 2026-08-06.

Conditions:
Mucopolysaccharidosis type 1. Also called: Mucopolysaccharidosis Type I; IDUA deficiency; MPS I. Identifiers: Orphanet 579, MedGen C0023786, MONDO:0001586.
Hurler syndrome. Also called: MUCOPOLYSACCHARIDOSIS TYPE IH; Severe MPS I (Hurler Syndrome); Gargoylism, Hurler Syndrome. Identifiers: Orphanet 93473, MedGen C0086795, MONDO:0011758, OMIM 607014.

gnomAD v4.1: 2 of 1,439,340 alleles (0.00014%); highest among the groups gnomAD compares: Non-Finnish European, 0.000091%; no homozygotes.

Submissions (2):

OLLIN Analises Genomicas, OLLIN
Classification: Uncertain significance for Hurler syndrome. Last evaluated: 2026-08-06. Review status: criteria provided, single submitter. Criteria: ACMG Guidelines 2015 PMID 25741868. Collection method: clinical testing. Allele origin: germline. Inheritance: Autosomal recessive inheritance.
Comment: This missense variant, located in exon 1 (of 14), has been reported in ClinVar (accession VCV000350187.7) and in gnomAD with an allele frequency of 0.00014%. However, to our knowledge, it has not been reported in the scientific literature. In silico analysis predicts that this variant has a tolerated effect. According to the currently available evidence, this variant has been classified as uncertain significance (PM2_P, BP4).

Illumina Laboratory Services, Illumina
Classification: Uncertain significance for Mucopolysaccharidosis type 1. Last evaluated: 2018-01-12. Review status: criteria provided, single submitter. Criteria: ICSL Variant Classification Criteria 13 December 2019. Collection method: clinical testing. Allele origin: germline.